The following is an entry in ClinVar:

NM_001244008.2(KIF1A):c.430-120C>T

Gene: KIF1A (kinesin family member 1A; minus strand). Cytogenetic location: 2q37.3.
Variant type: single nucleotide variant.
Coding change: c.430-120C>T on transcript NM_001244008.2 (MANE Select); 120 bases into the intron before coding-DNA position 430, C replaced by T.
Molecular consequence: intron variant.
Genome position (GRCh38, 1-based): chr2:240,786,633, G>A on the plus strand (C>T on the coding strand, the complement: KIF1A is on the minus strand). VCF-style: chr2-240786633-G-A. GRCh37 (hg19) VCF-style: chr2-241726050-G-A.
Other names: c.430-120C>T (NM_001379653.1, NM_001379650.1, NM_001379645.1 and 20 more transcripts).
Identifiers: ClinVar variation 677269 (VCV000677269.1), dbSNP rs530865664, ClinGen allele CA68141302.

ClinVar aggregate classification (germline): Likely benign (1 of 4 stars; one submission).

Allele frequency attached by ClinVar (database versions not stated): gnomAD exomes 0.00204; gnomAD 0.01423 and 0.01516; 1000 Genomes Project 0.02955.

Submission:

GeneDx
Classification: Likely benign. Last evaluated: 2018-06-16. Review status: criteria provided, single submitter. Criteria: GeneDx Variant Classification (06012015). Collection method: clinical testing. Allele origin: germline. Affected: yes.
Comment: This variant is considered likely benign or benign based on one or more of the following criteria: it is a conservative change, it occurs at a poorly conserved position in the protein, it is predicted to be benign by multiple in silico algorithms, and/or has population frequency not consistent with disease.